The following is an entry in ClinVar:

NM_144687.4(NLRP12):c.2072+45G>C

Gene: NLRP12 (NLR family pyrin domain containing 12; minus strand). Cytogenetic location: 19q13.42.
Variant type: single nucleotide variant.
Coding change: c.2072+45G>C on transcript NM_144687.4 (MANE Select); 45 bases into the intron after coding-DNA position 2072, G replaced by C.
Molecular consequence: intron variant.
Genome position (GRCh38, 1-based): chr19:53,809,542, C>G on the plus strand (G>C on the coding strand, the complement: NLRP12 is on the minus strand). VCF-style: chr19-53809542-C-G. GRCh37 (hg19) VCF-style: chr19-54312796-C-G.
Other names: c.2072+45G>C (NM_001277129.1, NM_001277126.2).
Identifiers: ClinVar variation 1289432 (VCV001289432.5), dbSNP rs58572468, ClinGen allele CA9639255.

ClinVar aggregate classification (germline): Benign. Review status: criteria provided, multiple submitters, no conflicts (2 of 4 stars). 3 submissions from 3 submitters: Benign (3). Last evaluated 2023-11-12.

Allele frequency attached by ClinVar (database versions not stated): ESP Exome Variant Server 0.27516; 1000 Genomes Project 30x 0.39022; gnomAD 0.51317 and 0.51324.
gnomAD v4.1: 379,211 of 942,532 alleles (40%); highest among the groups gnomAD compares: African/African-American, 64%; 58,167 homozygotes.

Submissions (3):

Unidad de Genómica Garrahan, Hospital de Pediatría Garrahan
Classification: Benign. Last evaluated: 2023-11-12. Review status: criteria provided, single submitter. Criteria: ACMG Guidelines, 2015. Collection method: clinical testing. Allele origin: germline. Affected: no. Observed: 28 variant alleles.
Comment: This variant is classified as Benign based on local population frequency. This variant was detected in 29% of patients studied by a panel of primary immunodeficiencies. Number of patients: 28. Only high quality variants are reported.

GeneDx
Classification: Benign. Last evaluated: 2021-05-13. Review status: criteria provided, single submitter. Criteria: GeneDx Variant Classification Process June 2021. Collection method: clinical testing. Allele origin: germline. Affected: yes.

Breakthrough Genomics
Classification: Benign. Review status: criteria provided, single submitter. Criteria: ACMG Guidelines, 2015. Collection method: not provided. Allele origin: germline. Inheritance: Autosomal dominant inheritance. Affected: yes.